The following is an entry in ClinVar:

ClinVar aggregate classification (germline): Uncertain significance (1 of 4 stars; one submission).

Conditions:
Cardiomyopathy (CMYO). Also called: Cardiomyopathies. Identifiers: Orphanet 167848, MedGen C0878544, MONDO:0004994, HP:0001638. Inheritance: Various modes of inheritance.

Submission:

Color Diagnostics, LLC DBA Color Health
Classification: Uncertain significance for Cardiomyopathy. Last evaluated: 2024-06-13. Review status: criteria provided, single submitter. Criteria: ACMG Guidelines, 2015. Collection method: clinical testing. Allele origin: germline.
Comment: This variant causes a deletion of lysine at codon 1627 of the DSP protein. To our knowledge, functional studies have not been reported for this variant. This variant has not been reported in individuals affected with DSP-related disorders in the literature. This variant has not been identified in the general population by the Genome Aggregation Database (gnomAD). The available evidence is insufficient to determine the role of this variant in disease conclusively. Therefore, this variant is classified as a Variant of Uncertain Significance.

NM_004415.4(DSP):c.4877AGA[1] (p.Lys1627del)

Gene: DSP (desmoplakin; plus strand). Cytogenetic location: 6p24.3.
Variant type: Microsatellite.
Coding change: c.4877AGA[1] on transcript NM_004415.4 (MANE Select); one copy of the 3-base unit AGA starting at c.4877; the reference has two copies in a row; one copy, 3 bases deleted; also written c.4880_4882del.
Protein change: p.Lys1627del; deletes lysine 1627.
Molecular consequence: inframe deletion. On other transcripts: intron variant (2).
Genome position (GRCh38, 1-based): chr6:7,581,070-7,581,072, AGA deleted; deleting any 3 consecutive bases within chr6:7,581,066-7,581,072 gives the same sequence; the position shown is the placement nearest the transcript's 3' end. VCF-style (leftmost placement, unchanged base first): chr6-7581065-TAAG-T. GRCh37 (hg19) VCF-style: chr6-7581298-TAAG-T.
Other names: c.4050+830_4050+832del (NM_001319034.2); c.3582+1298_3582+1300del (NM_001008844.3); c.4880_4882del (NM_004415.4); short protein forms K1627del.
Identifiers: ClinVar variation 2775315 (VCV002775315.2), dbSNP rs1466413837, ClinGen allele CA645372286.